The following is an entry in ClinVar:

ClinVar aggregate classification (germline): Uncertain significance (1 of 4 stars; one submission).

Submission:

Labcorp Genetics (formerly Invitae), Labcorp
Classification: Uncertain significance. Last evaluated: 2024-10-21. Review status: criteria provided, single submitter. Criteria: Invitae Variant Classification Sherloc (09022015). Collection method: clinical testing. Allele origin: germline.
Comment: This sequence change replaces glycine, which is neutral and non-polar, with alanine, which is neutral and non-polar, at codon 184 of the CASQ1 protein (p.Gly184Ala). This variant is not present in population databases (gnomAD no frequency). This variant has not been reported in the literature in individuals affected with CASQ1-related conditions. Invitae Evidence Modeling of protein sequence and biophysical properties (such as structural, functional, and spatial information, amino acid conservation, physicochemical variation, residue mobility, and thermodynamic stability) indicates that this missense variant is not expected to disrupt CASQ1 protein function with a negative predictive value of 80%. In summary, the available evidence is currently insufficient to determine the role of this variant in disease. Therefore, it has been classified as a Variant of Uncertain Significance.

NM_001231.5(CASQ1):c.551G>C (p.Gly184Ala)

Gene: CASQ1 (calsequestrin 1; plus strand). Cytogenetic location: 1q23.2.
Variant type: single nucleotide variant.
Coding change: c.551G>C on transcript NM_001231.5 (MANE Select); coding-DNA position 551, G replaced by C.
Protein change: p.Gly184Ala; replaces glycine 184 with alanine.
Molecular consequence: missense variant.
Genome position (GRCh38, 1-based): chr1:160,195,097, G>C. VCF-style: chr1-160195097-G-C. GRCh37 (hg19) VCF-style: chr1-160164887-G-C.
Other names: short protein forms G184A.
Identifiers: ClinVar variation 3691831 (VCV003691831.2).